The following is an entry in ClinVar:

ClinVar aggregate classification (germline): other (0 of 4 stars; one submission).

Conditions:
Familial colorectal cancer. Identifiers: MedGen CN280943, MONDO:0023113. Disease mechanism: loss of function.

Allele frequency attached by ClinVar (database versions not stated): TOPMed 0.00001.
gnomAD v4.1: 1 of 152,108 alleles (0.00066%); highest among the groups gnomAD compares: Non-Finnish European, 0.0015%; no homozygotes.

Submission:

Systems Biology Platform Zhejiang California International NanoSystems Institute
Classification: other for Familial colorectal cancer. Review status: no assertion criteria provided. Collection method: not provided. Allele origin: unknown.
ClinVar note: Converted during submission from cancer to other.

NM_000038.6(APC):c.422+3997C>A

Gene: APC (APC regulator of WNT signaling pathway; plus strand). Cytogenetic location: 5q22.2.
Variant type: single nucleotide variant.
Coding change: c.422+3997C>A on transcript NM_000038.6 (MANE Select); 3997 bases into the intron after coding-DNA position 422, C replaced by A.
Molecular consequence: intron variant.
Genome position (GRCh38, 1-based): chr5:112,771,387, C>A. VCF-style: chr5-112771387-C-A. GRCh37 (hg19) VCF-style: chr5-112107084-C-A.
Other names: c.422+3997C>A (NM_001354895.2, NM_001127510.3, NM_001354896.2 and 2 more transcripts); c.452+3997C>A (NM_001354897.2, NM_001354902.2, NM_001127511.3); c.347+3997C>A (NM_001354898.2, NM_001354904.2); c.-614+3997C>A (NM_001354906.2); c.245+3997C>A (NM_001354900.2, NM_001354901.2, NM_001354905.2).
Identifiers: ClinVar variation 82888 (VCV000082888.2), dbSNP rs6876867, ClinGen allele CA009111.